The following is an entry in ClinVar:

ClinVar aggregate classification (germline): Likely benign (1 of 4 stars; one submission).

gnomAD v4.1: 8 of 1,251,208 alleles (0.00064%); highest among the groups gnomAD compares: South Asian, 0.01%; no homozygotes.

Submission:

CeGaT Center for Human Genetics Tuebingen
Classification: Likely benign. Last evaluated: 2025-10-01. Review status: criteria provided, single submitter. Criteria: CeGaT Center For Human Genetics Tuebingen Variant Classification Criteria Version 2. Collection method: clinical testing. Allele origin: germline. Affected: yes. Observed: 1 variant allele.
Comment: CACNA1I: BP4, BP7

NM_021096.4(CACNA1I):c.6246G>A (p.Ala2082=)

Gene: CACNA1I (calcium voltage-gated channel subunit alpha1 I; plus strand). Cytogenetic location: 22q13.1.
Variant type: single nucleotide variant.
Coding change: c.6246G>A on transcript NM_021096.4 (MANE Select); coding-DNA position 6246, G replaced by A.
Protein change: p.Ala2082=; no amino-acid change (alanine 2082 retained).
Molecular consequence: synonymous variant.
Genome position (GRCh38, 1-based): chr22:39,685,979, G>A. VCF-style: chr22-39685979-G-A. GRCh37 (hg19) VCF-style: chr22-40081984-G-A.
Other names: c.6141G>A, p.Ala2047= (NM_001003406.2).
Identifiers: ClinVar variation 4533555 (VCV004533555.6).